The following is an entry in ClinVar:

ClinVar aggregate classification (germline): Likely pathogenic (1 of 4 stars; one submission).

Conditions:
Retinitis pigmentosa 27 (RP27). Identifiers: Orphanet 791, MedGen C1834329, MONDO:0013402, OMIM 613750.

Submission:

SingHealth Duke-NUS Institute of Precision Medicine
Classification: Likely pathogenic for Retinitis pigmentosa 27. Last evaluated: 2025-02-05. Review status: criteria provided, single submitter. Criteria: PRISM ACMG Classification Criteria. Collection method: clinical testing. Allele origin: germline. Affected: yes.
Comment: Variant is located in a mutational hotspot where >50% of variants are pathogenic (PM1). Variant is not found in gnomAD exomes or genomes (PM2). Other variants at this amino acid residue have been classified as pathogenic (PM5, p.Pro51Thr; p.Pro51His; p.Pro51Leu). REVEL score is 0.888 (PP3_mod)

NM_001354768.3(NRL):c.152C>G (p.Pro51Arg)

Gene: NRL (neural retina leucine zipper; minus strand). Cytogenetic location: 14q11.2.
Variant type: single nucleotide variant.
Coding change: c.152C>G on transcript NM_001354768.3 (MANE Select); coding-DNA position 152, C replaced by G.
Protein change: p.Pro51Arg; replaces proline 51 with arginine.
Molecular consequence: missense variant. On other transcripts: intron variant (1).
Genome position (GRCh38, 1-based): chr14:24,082,697, G>C on the plus strand (C>G on the coding strand, the complement: NRL is on the minus strand). VCF-style: chr14-24082697-G-C. GRCh37 (hg19) VCF-style: chr14-24551906-G-C.
Other names: c.152C>G, p.Pro51Arg (NM_001354769.1, NM_006177.5); c.66+86C>G (NM_001354770.2); short protein forms P51R.
Identifiers: ClinVar variation 3767337 (VCV003767337.1).